The following is an entry in ClinVar:

NM_001035.3(RYR2):c.2402G>A (p.Arg801His)

Gene: RYR2 (ryanodine receptor 2; plus strand). Cytogenetic location: 1q43.
Variant type: single nucleotide variant.
Coding change: c.2402G>A on transcript NM_001035.3 (MANE Select); coding-DNA position 2402, G replaced by A.
Protein change: p.Arg801His; replaces arginine 801 with histidine.
Molecular consequence: missense variant.
Genome position (GRCh38, 1-based): chr1:237,503,294, G>A. VCF-style: chr1-237503294-G-A. GRCh37 (hg19) VCF-style: chr1-237666594-G-A.
Other names: short protein forms R801H.
Identifiers: ClinVar variation 4055852 (VCV004055852.3).

ClinVar aggregate classification (germline): Uncertain significance. Review status: criteria provided, multiple submitters, no conflicts (2 of 4 stars). 3 submissions from 3 submitters: Uncertain significance (3). Last evaluated 2025-08-08.

Conditions:
Cardiomyopathy (CMYO). Also called: Cardiomyopathies. Identifiers: Orphanet 167848, MedGen C0878544, MONDO:0004994, HP:0001638. Inheritance: Various modes of inheritance.

gnomAD v4.1: 8 of 1,604,540 alleles (0.0005%); highest among the groups gnomAD compares: East Asian, 0.0022%; no homozygotes.

Submissions (3):

Color Diagnostics, LLC DBA Color Health
Classification: Uncertain significance for Cardiomyopathy. Last evaluated: 2025-08-08. Review status: criteria provided, single submitter. Criteria: ACMG Guidelines, 2015. Collection method: clinical testing. Allele origin: germline.
Comment: This missense variant replaces arginine with histidine at codon 801 of the RYR2 protein. Computational prediction is inconclusive regarding the impact of this variant on protein structure and function. To our knowledge, functional studies have not been reported for this variant. This variant has not been reported in individuals affected with RYR2-related disorders in the literature. This variant has been identified in 1/31396 chromosomes in the general population by the Genome Aggregation Database (gnomAD). The available evidence is insufficient to determine the role of this variant in disease conclusively. Therefore, this variant is classified as a Variant of Uncertain Significance.

GeneDx
Classification: Uncertain significance. Last evaluated: 2025-01-01. Review status: criteria provided, single submitter. Criteria: GeneDx Variant Classification Process June 2021. Collection method: clinical testing. Allele origin: germline. Affected: yes.
Comment: Not observed at significant frequency in large population cohorts (gnomAD); In silico analysis supports that this missense variant has a deleterious effect on protein structure/function; Has not been previously published as pathogenic or benign to our knowledge; Not located in one of the three hot-spot regions of the RYR2 gene, where the majority of pathogenic missense variants occur (PMID: 19926015); This variant is associated with the following publications: (PMID: 19926015)

Blueprint Genetics
Classification: Uncertain significance. Last evaluated: 2024-01-23. Review status: criteria provided, single submitter. Criteria: ACMG Guidelines, 2015. Collection method: clinical testing. Allele origin: germline.